The following is an entry in ClinVar:

NM_001267550.2(TTN):c.64672+11T>A

Genes: TTN-AS1 (TTN antisense RNA 1; plus strand), TTN (titin; minus strand). Cytogenetic location: 2q31.2.
Variant type: single nucleotide variant.
Coding change: c.64672+11T>A on transcript NM_001267550.2 (MANE Select); 11 bases into the intron after coding-DNA position 64672, T replaced by A.
Molecular consequence: intron variant.
Genome position (GRCh38, 1-based): chr2:178,585,061, A>T on the plus strand (T>A on the coding strand, the complement: TTN is on the minus strand). VCF-style: chr2-178585061-A-T. GRCh37 (hg19) VCF-style: chr2-179449788-A-T.
Other names: c.59749+11T>A (NM_001256850.1); c.37477+11T>A (NM_003319.4); c.38053+11T>A (NM_133437.4); c.37852+11T>A (NM_133432.3); c.56968+11T>A (NM_133378.4).
Identifiers: ClinVar variation 386034 (VCV000386034.6), dbSNP rs752070307, ClinGen allele CA16603887.

ClinVar aggregate classification (germline): Likely benign. Review status: criteria provided, multiple submitters, no conflicts (2 of 4 stars). 2 submissions from 2 submitters: Likely benign (2). Last evaluated 2025-07-21.

Conditions:
Dilated cardiomyopathy 1G (CMD1G). Identifiers: Orphanet 154, MedGen C1858763, MONDO:0011400, OMIM 604145.
Autosomal recessive limb-girdle muscular dystrophy type 2J (LGMDR10). Also called: Limb-girdle muscular dystrophy, type 2J; MUSCULAR DYSTROPHY, LIMB-GIRDLE, AUTOSOMAL RECESSIVE 10. Identifiers: Orphanet 140922, MedGen C1837342, MONDO:0012127, OMIM 608807.

gnomAD v4.1: 2 of 1,605,714 alleles (0.00012%); highest among the groups gnomAD compares: Admixed American, 0.0034%; no homozygotes.

Submissions (2):

Labcorp Genetics (formerly Invitae), Labcorp
Classification: Likely benign for Dilated cardiomyopathy 1G; Autosomal recessive limb-girdle muscular dystrophy type 2J. Last evaluated: 2025-07-21. Review status: criteria provided, single submitter. Criteria: Invitae Variant Classification Sherloc (09022015). Collection method: clinical testing. Allele origin: germline.

GeneDx
Classification: Likely benign. Last evaluated: 2016-05-06. Review status: criteria provided, single submitter. Criteria: GeneDx Variant Classification (06012015). Collection method: clinical testing. Allele origin: germline. Affected: yes.
Comment: This variant is considered likely benign or benign based on one or more of the following criteria: it is a conservative change, it occurs at a poorly conserved position in the protein, it is predicted to be benign by multiple in silico algorithms, and/or has population frequency not consistent with disease.